The following is an entry in ClinVar:

ClinVar aggregate classification (germline): Uncertain significance. Review status: criteria provided, multiple submitters, no conflicts (2 of 4 stars). 2 submissions from 2 submitters: Uncertain significance (2). Last evaluated 2022-10-17.

Allele frequency attached by ClinVar (database versions not stated): TOPMed 0.00001.
gnomAD v4.1: 28 of 1,613,218 alleles (0.0017%); highest among the groups gnomAD compares: Non-Finnish European, 0.0023%; no homozygotes.

Submissions (2):

Labcorp Genetics (formerly Invitae), Labcorp
Classification: Uncertain significance. Last evaluated: 2022-10-17. Review status: criteria provided, single submitter. Criteria: Invitae Variant Classification Sherloc (09022015). Collection method: clinical testing. Allele origin: germline.
Comment: This sequence change replaces arginine, which is basic and polar, with glycine, which is neutral and non-polar, at codon 366 of the WHRN protein (p.Arg366Gly). This variant is present in population databases (no rsID available, gnomAD 0.0009%). This variant has not been reported in the literature in individuals affected with WHRN-related conditions. ClinVar contains an entry for this variant (Variation ID: 999430). Algorithms developed to predict the effect of missense changes on protein structure and function are either unavailable or do not agree on the potential impact of this missense change (SIFT: "Tolerated"; PolyPhen-2: "Possibly Damaging"; Align-GVGD: "Class C0"). In summary, the available evidence is currently insufficient to determine the role of this variant in disease. Therefore, it has been classified as a Variant of Uncertain Significance.

Blueprint Genetics
Classification: Uncertain significance. Last evaluated: 2018-10-09. Review status: criteria provided, single submitter. Criteria: ACMG Guidelines, 2015. Collection method: clinical testing. Allele origin: germline.

NM_015404.4(WHRN):c.1096C>G (p.Arg366Gly)

Gene: WHRN (whirlin; minus strand). Cytogenetic location: 9q32.
Variant type: single nucleotide variant.
Coding change: c.1096C>G on transcript NM_015404.4 (MANE Select); coding-DNA position 1096, C replaced by G.
Protein change: p.Arg366Gly; replaces arginine 366 with glycine.
Molecular consequence: missense variant. On other transcripts: 5 prime UTR variant (1).
Genome position (GRCh38, 1-based): chr9:114,426,281, G>C on the plus strand (C>G on the coding strand, the complement: WHRN is on the minus strand). VCF-style: chr9-114426281-G-C. GRCh37 (hg19) VCF-style: chr9-117188561-G-C.
Other names: c.-54C>G (NM_001083885.3); c.1096C>G, p.Arg366Gly (NM_001173425.2); short protein forms R366G.
Identifiers: ClinVar variation 999430 (VCV000999430.7), dbSNP rs530868944, ClinGen allele CA374610306.